The following is an entry in ClinVar:

ClinVar aggregate classification (germline): Uncertain significance (1 of 4 stars; one submission).

Submission:

Ambry Genetics
Classification: Uncertain significance. Last evaluated: 2022-02-21. Review status: criteria provided, single submitter. Criteria: Ambry Variant Classification Scheme 2023. Collection method: clinical testing. Allele origin: germline.
Comment: The p.C1673S variant (also known as c.5018G>C), located in coding exon 4 of the ALPK2 gene, results from a G to C substitution at nucleotide position 5018. The cysteine at codon 1673 is replaced by serine, an amino acid with dissimilar properties. This amino acid position is conserved. In addition, this alteration is predicted to be tolerated by in silico analysis. Since supporting evidence is limited at this time, the clinical significance of this alteration remains unclear.

NM_052947.4(ALPK2):c.5018G>C (p.Cys1673Ser)

Genes: ALPK2 (alpha kinase 2; minus strand), LOC130062577 (ATAC-STARR-seq lymphoblastoid active region 13389; plus strand). Cytogenetic location: 18q21.31.
Variant type: single nucleotide variant.
Coding change: c.5018G>C on transcript NM_052947.4 (MANE Select); coding-DNA position 5018, G replaced by C.
Protein change: p.Cys1673Ser; replaces cysteine 1673 with serine.
Molecular consequence: missense variant.
Genome position (GRCh38, 1-based): chr18:58,535,169, C>G on the plus strand (G>C on the coding strand, the complement: ALPK2 is on the minus strand). VCF-style: chr18-58535169-C-G. GRCh37 (hg19) VCF-style: chr18-56202401-C-G.
Other names: short protein forms C1673S.
Identifiers: ClinVar variation 1744795 (VCV001744795.2), dbSNP rs755184268, ClinGen allele CA402558880.
Genomic context (GRCh38, chr18:58,535,169, plus strand): 5'-GCTTCCAGGGACTTCTCTCTCTCCCTGGACTTTTTCGCACAGCCCAGGGTGCCCTTTTGA[C>G]ATGGATCCTGCAGTAATTTAGGGGCTTTCTCTAACTCACGTTCTCCTGAAATAAATGCCA-3'
Protein context (NP_443179.3, residues 1663-1683): EKAPKLLQDP[Cys1673Ser]QKGTLGCAKK